The following is an entry in ClinVar:

NM_001001957.2(OR2W3):c.172C>A (p.Pro58Thr)

Gene: OR2W3 (olfactory receptor family 2 subfamily W member 3; plus strand). Cytogenetic location: 1q44.
Variant type: single nucleotide variant.
Coding change: c.172C>A on transcript NM_001001957.2 (MANE Select); coding-DNA position 172, C replaced by A.
Protein change: p.Pro58Thr; replaces proline 58 with threonine.
Molecular consequence: missense variant.
Genome position (GRCh38, 1-based): chr1:247,895,758, C>A. VCF-style: chr1-247895758-C-A. GRCh37 (hg19) VCF-style: chr1-248059060-C-A.
Other names: short protein forms P58T.
Identifiers: ClinVar variation 2037335 (VCV002037335.4), dbSNP rs753135293, ClinGen allele CA345591427.

ClinVar aggregate classification (germline): Uncertain significance (1 of 4 stars; one submission).

Submission:

Labcorp Genetics (formerly Invitae), Labcorp
Classification: Uncertain significance. Last evaluated: 2022-07-12. Review status: criteria provided, single submitter. Criteria: Invitae Variant Classification Sherloc (09022015). Collection method: clinical testing. Allele origin: germline.
Comment: In summary, the available evidence is currently insufficient to determine the role of this variant in disease. Therefore, it has been classified as a Variant of Uncertain Significance. Algorithms developed to predict the effect of missense changes on protein structure and function (SIFT, PolyPhen-2, Align-GVGD) all suggest that this variant is likely to be disruptive. This variant has not been reported in the literature in individuals affected with OR2W3-related conditions. This variant is not present in population databases (gnomAD no frequency). This sequence change replaces proline, which is neutral and non-polar, with threonine, which is neutral and polar, at codon 58 of the OR2W3 protein (p.Pro58Thr).